The following is an entry in ClinVar:

ClinVar aggregate classification (germline): Likely benign (1 of 4 stars; one submission).

Submission:

CeGaT Center for Human Genetics Tuebingen
Classification: Likely benign. Last evaluated: 2025-09-01. Review status: criteria provided, single submitter. Criteria: CeGaT Center For Human Genetics Tuebingen Variant Classification Criteria Version 2. Collection method: clinical testing. Allele origin: germline. Affected: yes. Observed: 1 variant allele.
Comment: CHST14: PM2:Supporting, BP4, BP7

NM_130468.4(CHST14):c.600C>A (p.Arg200=)

Gene: CHST14 (carbohydrate sulfotransferase 14; plus strand). Cytogenetic location: 15q15.1.
Variant type: single nucleotide variant.
Coding change: c.600C>A on transcript NM_130468.4 (MANE Select); coding-DNA position 600, C replaced by A.
Protein change: p.Arg200=; no amino-acid change (arginine 200 retained).
Molecular consequence: synonymous variant.
Genome position (GRCh38, 1-based): chr15:40,471,813, C>A. VCF-style: chr15-40471813-C-A. GRCh37 (hg19) VCF-style: chr15-40764012-C-A.
Identifiers: ClinVar variation 4281302 (VCV004281302.7).